The following is an entry in ClinVar:

ClinVar aggregate classification (germline): Uncertain significance (1 of 4 stars; one submission).

gnomAD v4.1: 1 of 1,598,926 alleles (0.000063%); highest among the groups gnomAD compares: Middle Eastern, 0.017%; no homozygotes.

Submission:

Labcorp Genetics (formerly Invitae), Labcorp
Classification: Uncertain significance. Last evaluated: 2025-06-29. Review status: criteria provided, single submitter. Criteria: Invitae Variant Classification Sherloc (09022015). Collection method: clinical testing. Allele origin: germline.
Comment: This sequence change creates a premature translational stop signal (p.Gly98*) in the MS4A1 gene. It is expected to result in an absent or disrupted protein product. However, the current clinical and genetic evidence is not sufficient to establish whether loss-of-function variants in MS4A1 cause disease. This variant is not present in population databases (gnomAD no frequency). This variant has not been reported in the literature in individuals affected with MS4A1-related conditions. In summary, the available evidence is currently insufficient to determine the role of this variant in disease. Therefore, it has been classified as a Variant of Uncertain Significance.

NM_152866.3(MS4A1):c.292G>T (p.Gly98Ter)

Gene: MS4A1 (membrane spanning 4-domains A1; plus strand). Cytogenetic location: 11q12.2.
Variant type: single nucleotide variant.
Coding change: c.292G>T on transcript NM_152866.3 (MANE Select); coding-DNA position 292, G replaced by T.
Protein change: p.Gly98Ter; replaces glycine 98 with a stop codon.
Molecular consequence: nonsense.
Genome position (GRCh38, 1-based): chr11:60,464,300, G>T. VCF-style: chr11-60464300-G-T. GRCh37 (hg19) VCF-style: chr11-60231773-G-T.
Other names: c.292G>T, p.Gly98Ter (NM_021950.4, NM_152867.2); short protein forms G98*.
Identifiers: ClinVar variation 4760339 (VCV004760339.1).